The following is an entry in ClinVar:

NM_005609.4(PYGM):c.212C>G (p.Thr71Arg)

Gene: PYGM (glycogen phosphorylase, muscle associated; minus strand). Cytogenetic location: 11q13.1.
Variant type: single nucleotide variant.
Coding change: c.212C>G on transcript NM_005609.4 (MANE Select); coding-DNA position 212, C replaced by G.
Protein change: p.Thr71Arg; replaces threonine 71 with arginine.
Molecular consequence: missense variant.
Genome position (GRCh38, 1-based): chr11:64,759,687, G>C on the plus strand (C>G on the coding strand, the complement: PYGM is on the minus strand). VCF-style: chr11-64759687-G-C. GRCh37 (hg19) VCF-style: chr11-64527159-G-C.
Other names: c.212C>G, p.Thr71Arg (NM_001164716.1); short protein forms T71R.
Identifiers: ClinVar variation 2161045 (VCV002161045.3), dbSNP rs377713922, ClinGen allele CA381112038.
Genomic context (GRCh38, chr11:64,759,687, plus strand): 5'-TACCCCCACCCCAGGCTCCCCAGCAGCACCTTGGGGTCCTTCTCATAGTAGTGCTGCTGC[G>C]TGCGGATCCAGCGCCCCACGAGGTGGTCGCGCACGGTATGGGCCAGAGCAAAGTAGTAGT-3'
Protein context (NP_005600.1, residues 61-81): RDHLVGRWIR[Thr71Arg]QQHYYEKDPK

ClinVar aggregate classification (germline): Uncertain significance. Review status: criteria provided, multiple submitters, no conflicts (2 of 4 stars). 2 submissions from 2 submitters: Uncertain significance (2). Last evaluated 2024-03-11.

Conditions:
Glycogen storage disease, type V (GSD5). Also called: PYGM DEFICIENCY; MCARDLE DISEASE; MUSCLE GLYCOGEN PHOSPHORYLASE DEFICIENCY; MYOPHOSPHORYLASE DEFICIENCY; McArdle type glycogen storage disease. Identifiers: Orphanet 368, MedGen C0017924, MONDO:0009293, OMIM 232600.

gnomAD v4.1: 3 of 1,614,084 alleles (0.00019%); highest among the groups gnomAD compares: Non-Finnish European, 0.00025%; no homozygotes.

Submissions (2):

Fulgent Genetics
Classification: Uncertain significance for Glycogen storage disease, type V. Last evaluated: 2024-03-11. Review status: criteria provided, single submitter. Criteria: ACMG Guidelines, 2015. Collection method: clinical testing. Allele origin: germline.

Labcorp Genetics (formerly Invitae), Labcorp
Classification: Uncertain significance for Glycogen storage disease, type V. Last evaluated: 2022-08-17. Review status: criteria provided, single submitter. Criteria: Invitae Variant Classification Sherloc (09022015). Collection method: clinical testing. Allele origin: germline.
Comment: This variant has not been reported in the literature in individuals affected with PYGM-related conditions. This variant is not present in population databases (gnomAD no frequency). This sequence change replaces threonine, which is neutral and polar, with arginine, which is basic and polar, at codon 71 of the PYGM protein (p.Thr71Arg). In summary, the available evidence is currently insufficient to determine the role of this variant in disease. Therefore, it has been classified as a Variant of Uncertain Significance. Algorithms developed to predict the effect of missense changes on protein structure and function are either unavailable or do not agree on the potential impact of this missense change (SIFT: "Not Available"; PolyPhen-2: "Probably Damaging"; Align-GVGD: "Not Available").